The following is an entry in ClinVar:

NM_006852.6(TLK2):c.625C>T (p.Gln209Ter)

Gene: TLK2 (tousled like kinase 2; plus strand). Cytogenetic location: 17q23.2.
Variant type: single nucleotide variant.
Coding change: c.625C>T on transcript NM_006852.6 (MANE Select); coding-DNA position 625, C replaced by T.
Protein change: p.Gln209Ter; replaces glutamine 209 with a stop codon.
Molecular consequence: nonsense. On other transcripts: intron variant (1).
Genome position (GRCh38, 1-based): chr17:62,552,395, C>T. VCF-style: chr17-62552395-C-T. GRCh37 (hg19) VCF-style: chr17-60629756-C-T.
Other names: c.625C>T, p.Gln209Ter (NM_001284333.3, NM_001375270.1, NM_001375271.1); c.529C>T, p.Gln177Ter (NM_001284363.1, NM_001375272.1); c.178C>T, p.Gln60Ter (NM_001330418.3, NM_001375273.1); c.667C>T, p.Gln223Ter (NM_001375269.1); c.436-7621C>T (NM_001411074.1); short protein forms Q177*, Q209*, Q223*, Q60*.
Identifiers: ClinVar variation 3382783 (VCV003382783.3).

ClinVar aggregate classification (germline): Likely pathogenic (1 of 4 stars; one submission).

Conditions:
Intellectual developmental disorder, autosomal dominant 57. Also called: MENTAL RETARDATION, AUTOSOMAL DOMINANT 57; Intellectual disability, autosomal dominant 57. Identifiers: MedGen C4748003, MONDO:0054837, OMIM 618050.

Submission:

Juno Genomics, Hangzhou Juno Genomics, Inc
Classification: Likely pathogenic for Intellectual developmental disorder, autosomal dominant 57. Review status: criteria provided, single submitter. Criteria: ACMG Guidelines, 2015. Collection method: clinical testing. Allele origin: germline.
Comment: Absent from controls (or at extremely low frequency if recessive) in Genome Aggregation Database.;Null variant in a gene where loss of function (LOF) is a known mechanism of disease.